The following is an entry in ClinVar:

NM_006267.5(RANBP2):c.20A>C (p.Asp7Ala)

Gene: RANBP2 (RAN binding protein 2; plus strand). Cytogenetic location: 2q13.
Variant type: single nucleotide variant.
Coding change: c.20A>C on transcript NM_006267.5 (MANE Select); coding-DNA position 20, A replaced by C.
Protein change: p.Asp7Ala; replaces aspartic acid 7 with alanine.
Molecular consequence: missense variant.
Genome position (GRCh38, 1-based): chr2:108,719,626, A>C. VCF-style: chr2-108719626-A-C. GRCh37 (hg19) VCF-style: chr2-109336082-A-C.
Other names: short protein forms D7A.
Identifiers: ClinVar variation 640266 (VCV000640266.9), dbSNP rs201886746, ClinGen allele CA1821864.
Genomic context (GRCh38, chr2:108,719,626, plus strand): 5'-GCGCTGGTCTCACGCGCCTCGGGAGCCAGGTTGGCGGCGCGATGAGGCGCAGCAAGGCTG[A>C]CGTGGAGCGGTACATCGCCTCGGTGCAGGGCTCCACCCCGTCGCCTCGACAGGTGAGTGG-3'
Protein context (NP_006258.3, residues 1-17): MRRSKA[Asp7Ala]VERYIASVQG

ClinVar aggregate classification (germline): Conflicting classifications of pathogenicity. Review status: criteria provided, conflicting classifications (1 of 4 stars). 2 submissions from 2 submitters: Uncertain significance (1); Likely benign (1). Last evaluated 2024-10-15.

Conditions:
Familial acute necrotizing encephalopathy (IIAE3). Also called: Susceptibility to Acute Necrotizing Encephalopathy 1; ENCEPHALOPATHY, ACUTE, INFECTION-INDUCED, SUSCEPTIBILITY TO, 3. Identifiers: Orphanet 88619, MedGen C2675556, MONDO:0011953, OMIM 608033.

Allele frequency attached by ClinVar (database versions not stated): gnomAD exomes 0.00003 and 0.00006; TOPMed 0.00003; ExAC 0.00004; gnomAD 0.00004; ESP Exome Variant Server 0.00023.
gnomAD v4.1: 89 of 1,607,780 alleles (0.0055%); highest among the groups gnomAD compares: Non-Finnish European, 0.0075%; no homozygotes.

Submissions (2):

Labcorp Genetics (formerly Invitae), Labcorp
Classification: Uncertain significance for Familial acute necrotizing encephalopathy. Last evaluated: 2024-10-15. Review status: criteria provided, single submitter. Criteria: Invitae Variant Classification Sherloc (09022015). Collection method: clinical testing. Allele origin: germline.
Comment: This sequence change replaces aspartic acid, which is acidic and polar, with alanine, which is neutral and non-polar, at codon 7 of the RANBP2 protein (p.Asp7Ala). This variant is present in population databases (rs201886746, gnomAD 0.007%). This variant has not been reported in the literature in individuals affected with RANBP2-related conditions. ClinVar contains an entry for this variant (Variation ID: 640266). An algorithm developed to predict the effect of missense changes on protein structure and function (PolyPhen-2) suggests that this variant is likely to be tolerated. In summary, the available evidence is currently insufficient to determine the role of this variant in disease. Therefore, it has been classified as a Variant of Uncertain Significance.

Blueprint Genetics
Classification: Likely benign. Last evaluated: 2024-07-08. Review status: criteria provided, single submitter. Criteria: ACMG Guidelines, 2015. Collection method: clinical testing. Allele origin: germline.